The following is an entry in ClinVar:

NM_176824.3(BBS7):c.1504C>T (p.His502Tyr)

Gene: BBS7 (Bardet-Biedl syndrome 7; minus strand). Cytogenetic location: 4q27.
Variant type: single nucleotide variant.
Coding change: c.1504C>T on transcript NM_176824.3 (MANE Select); coding-DNA position 1504, C replaced by T.
Protein change: p.His502Tyr; replaces histidine 502 with tyrosine.
Molecular consequence: missense variant.
Genome position (GRCh38, 1-based): chr4:121,835,151, G>A on the plus strand (C>T on the coding strand, the complement: BBS7 is on the minus strand). VCF-style: chr4-121835151-G-A. GRCh37 (hg19) VCF-style: chr4-122756306-G-A.
Other names: c.1504C>T, p.His502Tyr (NM_018190.4); short protein forms H502Y.
Identifiers: ClinVar variation 1398565 (VCV001398565.8), dbSNP rs2149056423, ClinGen allele CA358058380.

ClinVar aggregate classification (germline): Uncertain significance (1 of 4 stars; one submission).

Conditions:
Bardet-Biedl syndrome (BBS). Identifiers: Orphanet 110, MedGen C0752166, MONDO:0015229.

Submission:

Labcorp Genetics (formerly Invitae), Labcorp
Classification: Uncertain significance for Bardet-Biedl syndrome. Last evaluated: 2024-02-23. Review status: criteria provided, single submitter. Criteria: Invitae Variant Classification Sherloc (09022015). Collection method: clinical testing. Allele origin: germline.
Comment: This sequence change replaces histidine, which is basic and polar, with tyrosine, which is neutral and polar, at codon 502 of the BBS7 protein (p.His502Tyr). This variant is not present in population databases (gnomAD no frequency). This variant has not been reported in the literature in individuals affected with BBS7-related conditions. ClinVar contains an entry for this variant (Variation ID: 1398565). Advanced modeling of protein sequence and biophysical properties (such as structural, functional, and spatial information, amino acid conservation, physicochemical variation, residue mobility, and thermodynamic stability) performed at Invitae indicates that this missense variant is not expected to disrupt BBS7 protein function with a negative predictive value of 80%. In summary, the available evidence is currently insufficient to determine the role of this variant in disease. Therefore, it has been classified as a Variant of Uncertain Significance.